The following is an entry in ClinVar:

ClinVar aggregate classification (germline): Likely benign. Review status: criteria provided, multiple submitters, no conflicts (2 of 4 stars). 2 submissions from 2 submitters: Likely benign (2). Last evaluated 2026-03-27.

Conditions:
CHRNG-related disorder. Also called: CHRNG-related condition; CHRNG-related disorders.

Allele frequency attached by ClinVar (database versions not stated): gnomAD 0.00011 and 0.00012; ESP Exome Variant Server 0.00023; 1000 Genomes Project 0.00040; 1000 Genomes Project 30x 0.00047.

Submissions (2):

PreventionGenetics, part of Exact Sciences
Classification: Likely benign for CHRNG-related condition. Last evaluated: 2026-03-27. Review status: criteria provided, single submitter. Criteria: ACMG Guidelines, 2015. Collection method: clinical testing. Allele origin: germline.
Comment: This variant is classified as likely benign based on ACMG/AMP sequence variant interpretation guidelines (Richards et al. 2015 PMID: 25741868, with internal and published modifications).

Labcorp Genetics (formerly Invitae), Labcorp
Classification: Likely benign. Last evaluated: 2026-01-31. Review status: criteria provided, single submitter. Criteria: Invitae Variant Classification Sherloc (09022015). Collection method: clinical testing. Allele origin: germline.

NM_005199.5(CHRNG):c.960C>T (p.Val320=)

Gene: CHRNG (cholinergic receptor nicotinic gamma subunit; plus strand). Cytogenetic location: 2q37.1.
Variant type: single nucleotide variant.
Coding change: c.960C>T on transcript NM_005199.5 (MANE Select); coding-DNA position 960, C replaced by T.
Protein change: p.Val320=; no amino-acid change (valine 320 retained).
Molecular consequence: synonymous variant.
Genome position (GRCh38, 1-based): chr2:232,543,624, C>T. VCF-style: chr2-232543624-C-T. GRCh37 (hg19) VCF-style: chr2-233408334-C-T.
Identifiers: ClinVar variation 706270 (VCV000706270.7), dbSNP rs149535359, ClinGen allele CA2168870.